The following is an entry in ClinVar:

ClinVar aggregate classification (germline): Pathogenic. Review status: reviewed by expert panel (3 of 4 stars). 4 submissions from 4 submitters: Pathogenic (1). 3 of the submissions do not count toward it. Last evaluated 2025-09-29.

Conditions:
Leber congenital amaurosis 4 (LCA4). Identifiers: MedGen C1858386, MONDO:0011458, OMIM 604393.
AIPL1-related retinopathy. Also called: AIPL1 retinopathy. Identifiers: MedGen CN305590, MONDO:0100438.

Allele frequency attached by ClinVar (database versions not stated): gnomAD exomes below 0.00001; gnomAD 0.00001; TOPMed 0.00001.
gnomAD v4.1: 3 of 1,605,620 alleles (0.00019%); highest among the groups gnomAD compares: Non-Finnish European, 0.00025%; no homozygotes.

Submissions (4):

ClinGen Leber Congenital Amaurosis/early Onset Retinal Dystrophy Variant Curation Expert Panel, ClinGen
Classification: Pathogenic for AIPL1-related retinopathy. Last evaluated: 2025-09-29. Review status: reviewed by expert panel. Criteria: ClinGen LCAeoRD ACMG Specifications AIPL1 V1.0.0. Collection method: curation. Allele origin: germline. Inheritance: Autosomal recessive inheritance.
Comment: NM_014336.5(AIPL1):c.265T>C (p.Cys89Arg) is a missense variant predicted to replace cysteine with arginine at amino acid p.89. This variant is present in gnomAD v.4.1.0 at a total allele frequency of 0.0000018, with 3 alleles / 1605620 total alleles, which is lower than the ClinGen LCA/eoRD VCEP PM2_Supporting threshold of <0.0004 (PM2_Supporting). This variant has been reported in 2 apparently unrelated probands with early-onset severe retinal dystrophy who were homozygous for the variant (1 total point, PMID: 27208204, PMID: 30366342). This variant has also been reported in 1 proband with early-onset severe retinal dystrophy who was compound heterozygous with the NM_014336.5(AIPL1):c.618_619dup (p.Cys207SerfsTer3) variant confirmed in trans (1 point, PMIDs: 39986747), which was previously classified as pathogenic by the ClinGen LCA/eoRD VCEP (2 total points, PM3_Strong). At least one proband harboring this variant exhibits a phenotype including diagnosis of Leber congenital amaurosis (0.5 pts) with genotyping by a next-generation sequencing panel of 163 known inherited retinal disease-associated genes (2 pts), severe visual disturbances in infancy or early childhood (1 pt), visual acuity limited to light perception (1 pt), moderate hypermetropia, kinetic visual field extent not detectable (1 pt), keratoconus (0.5 pts), nystagmus (1 pt), posterior subcapsular cataract (0.5 pts), and nondetectable electroretinogram responses from both rods (0.5 pts) and cones (1 pt), which together are highly specific for AIPL1-related retinopathy (total 9 points, PMID: 20702822, PMID: 23847139, PP4_Moderate). Co-expression of the variant with PDE6C and Pγ resulted in less than 10% of cGMP hydrolysis activity relative to the wild-type AIPL1 control (PMID: 27268253, PS3_Supporting). Yeast 2-hybrid and ELISA experiments identified abolished or dramatically decreased interaction of the variant protein with HSP90alpha and HSP90beta (PMID: 28973376). The computational predictor REVEL gives a score of 0.841, which is above the ClinGen LCA/eoRD VCEP threshold of ≥0.774 and predicts a damaging effect on AIPL1 protein function (PP3_Moderate). In summary, this variant meets the criteria to be classified as Pathogenic for AIPL1-related retinopathy based on the ACMG/AMP criteria applied, as specified by the ClinGen LCA/eoRD VCEP: PM2_Supporting, PM3_Strong, PP4_Moderate, PS3_Supporting, and PP3_Moderate. (VCEP specifications version 1.0.0; date of approval 09/24/2025).

Labcorp Genetics (formerly Invitae), Labcorp
Classification: Pathogenic for Leber congenital amaurosis 4. Last evaluated: 2025-09-08. Review status: criteria provided, single submitter. Criteria: Invitae Variant Classification Sherloc (09022015). Collection method: clinical testing. Allele origin: germline. Not counted in ClinVar's aggregate classification.
Comment: This sequence change replaces cysteine, which is neutral and slightly polar, with arginine, which is basic and polar, at codon 89 of the AIPL1 protein (p.Cys89Arg). This variant is not present in population databases (gnomAD no frequency). This missense change has been observed in individuals with Leber congenital amaurosis (PMID: 20702822; internal data). ClinVar contains an entry for this variant (Variation ID: 574505). Invitae Evidence Modeling of protein sequence and biophysical properties (such as structural, functional, and spatial information, amino acid conservation, physicochemical variation, residue mobility, and thermodynamic stability) indicates that this missense variant is expected to disrupt AIPL1 protein function with a positive predictive value of 95%. Experimental studies have shown that this missense change affects AIPL1 function (PMID: 23737531, 27268253, 28973376). This variant disrupts the p.Cys89 amino acid residue in AIPL1. Other variant(s) that disrupt this residue have been observed in individuals with AIPL1-related conditions (PMID: 20702822), which suggests that this may be a clinically significant amino acid residue. For these reasons, this variant has been classified as Pathogenic.

First Genomix Gene Laboratory, Genetic Diagnostics Department
Classification: Likely pathogenic for Leber congenital amaurosis 4. Last evaluated: 2025-08-28. Review status: criteria provided, single submitter. Criteria: ACMG Guidelines, 2015. Collection method: clinical testing. Allele origin: germline. Inheritance: Autosomal recessive inheritance. Affected: no. Observed: 1 variant allele. Not counted in ClinVar's aggregate classification.

Institute of Human Genetics Munich, TUM University Hospital
Classification: Likely pathogenic for Leber congenital amaurosis 4. Last evaluated: 2022-08-24. Review status: criteria provided, single submitter. Criteria: Classification criteria August 2017. Collection method: clinical testing. Allele origin: germline. Inheritance: Autosomal recessive inheritance. Affected: yes. Observed: 1 variant allele. Not counted in ClinVar's aggregate classification.

Literature cited by the submitters: PubMed 20702822 (cited by Labcorp Genetics (formerly Invitae), Labcorp); PubMed 23737531 (cited by Labcorp Genetics (formerly Invitae), Labcorp); PubMed 27268253 (cited by Labcorp Genetics (formerly Invitae), Labcorp); PubMed 28973376 (cited by Labcorp Genetics (formerly Invitae), Labcorp); PubMed 16123401 (cited by Institute of Human Genetics Munich, TUM University Hospital).

NM_014336.5(AIPL1):c.265T>C (p.Cys89Arg)

Gene: AIPL1 (AIP like 1 HSP90 co-chaperone; minus strand). Cytogenetic location: 17p13.2.
Variant type: single nucleotide variant.
Coding change: c.265T>C on transcript NM_014336.5 (MANE Select); coding-DNA position 265, T replaced by C.
Protein change: p.Cys89Arg; replaces cysteine 89 with arginine.
Molecular consequence: missense variant. On other transcripts: intron variant (1).
Genome position (GRCh38, 1-based): chr17:6,433,930, A>G on the plus strand (T>C on the coding strand, the complement: AIPL1 is on the minus strand). VCF-style: chr17-6433930-A-G. GRCh37 (hg19) VCF-style: chr17-6337250-A-G.
Other names: NM_014336.5(AIPL1):c.265T>C; p.Cys89Arg; c.265T>C, p.Cys89Arg (NM_001033054.3, NM_001285401.3, NM_001285403.4); c.229T>C, p.Cys77Arg (NM_001285399.3); c.199T>C, p.Cys67Arg (NM_001285400.3); c.148T>C, p.Cys50Arg (NM_001285402.2); c.96+1079T>C (NM_001033055.3); short protein forms C89R, C67R, C77R, C50R.
Identifiers: ClinVar variation 574505 (VCV000574505.11), dbSNP rs1264794214, ClinGen allele CA397397066.